The following is an entry in ClinVar:

ClinVar aggregate classification (germline): Pathogenic (1 of 4 stars; one submission).

Submission:

Labcorp Genetics (formerly Invitae), Labcorp
Classification: Pathogenic. Last evaluated: 2024-04-17. Review status: criteria provided, single submitter. Criteria: Invitae Variant Classification Sherloc (09022015). Collection method: clinical testing. Allele origin: germline.
Comment: This sequence change creates a premature translational stop signal (p.Glu636Lysfs*5) in the ERCC3 gene. It is expected to result in an absent or disrupted protein product. Loss-of-function variants in ERCC3 are known to be pathogenic (PMID: 16947863). This variant is not present in population databases (gnomAD no frequency). This variant has not been reported in the literature in individuals affected with ERCC3-related conditions. For these reasons, this variant has been classified as Pathogenic.

Literature cited by the submitters: PubMed 16947863.

NM_000122.2(ERCC3):c.1906del (p.Glu636fs)

Gene: ERCC3 (ERCC excision repair 3, TFIIH core complex helicase subunit; minus strand). Cytogenetic location: 2q14.3.
Variant type: Deletion.
Coding change: c.1906del on transcript NM_000122.2 (MANE Select); coding-DNA position 1906, one base deleted (G; older notation c.1906delG).
Protein change: p.Glu636fs; shifts the reading frame from glutamic acid 636.
Molecular consequence: frameshift variant.
Genome position (GRCh38, 1-based): chr2:127,271,375, C deleted on the plus strand (G on the coding strand, the reverse complement: ERCC3 is on the minus strand); the first of 2 consecutive C bases (chr2:127,271,375-127,271,376); deleting either gives the same sequence. VCF-style (leftmost placement, unchanged base first): chr2-127271374-TC-T. GRCh37 (hg19) VCF-style: chr2-128028950-TC-T.
Other names: c.1714del, p.Glu572fs (NM_001303416.2, NM_001303418.2); short protein forms E636fs, E572fs.
Identifiers: ClinVar variation 3650282 (VCV003650282.2).